The following is an entry in ClinVar:

NM_021098.3(CACNA1H):c.1567CAC[7] (p.His528dup)

Gene: CACNA1H (calcium voltage-gated channel subunit alpha1 H; plus strand). Cytogenetic location: 16p13.3.
Variant type: Microsatellite.
Coding change: c.1567CAC[7] on transcript NM_021098.3 (MANE Select); seven copies in a row of the 3-base unit CAC starting at c.1567; the reference has six copies in a row; one copy, 3 bases duplicated; also written c.1582_1584dup.
Protein change: p.His528dup; duplicates histidine 528.
Molecular consequence: inframe insertion.
Genome position (GRCh38, 1-based): chr16:1,202,032-1,202,034, CAC duplicated; duplicating any 3 consecutive bases within chr16:1,202,017-1,202,034 gives the same sequence; the position shown is the placement nearest the transcript's 3' end. VCF-style (leftmost placement, unchanged base first): chr16-1202016-T-TCAC. GRCh37 (hg19) VCF-style: chr16-1252016-T-TCAC.
Other names: c.1582_1584dup (NM_021098.3, NM_021098.2); c.1567CAC[7], p.His528dup (NM_001005407.2).
Identifiers: ClinVar variation 664211 (VCV000664211.11), dbSNP rs760736442, ClinGen allele CA620695721.

ClinVar aggregate classification (germline): Uncertain significance. Review status: criteria provided, multiple submitters, no conflicts (2 of 4 stars). 2 submissions from 2 submitters: Uncertain significance (2). Last evaluated 2023-09-03.

Conditions:
Epilepsy, childhood absence, susceptibility to, 6. Identifiers: Orphanet 64280, MedGen C2749872, MONDO:0012763, OMIM 611942.
Hyperaldosteronism, familial, type IV (HALD4). Also called: FH IV; ALDOSTERONISM, PRIMARY, AND HYPERTENSION. Identifiers: Orphanet 642671, MedGen C4310756, MONDO:0014875, OMIM 617027.
Idiopathic generalized epilepsy. Also called: Generalised epilepsy; EIG. Identifiers: MedGen C0270850, MONDO:0005579, OMIM 600669.

Submissions (2):

Labcorp Genetics (formerly Invitae), Labcorp
Classification: Uncertain significance for Idiopathic generalized epilepsy; Hyperaldosteronism, familial, type IV. Last evaluated: 2023-09-03. Review status: criteria provided, single submitter. Criteria: Invitae Variant Classification Sherloc (09022015). Collection method: clinical testing. Allele origin: germline.
Comment: This variant, c.1582_1584dup, results in the insertion of 1 amino acid(s) of the CACNA1H protein (p.His528dup), but otherwise preserves the integrity of the reading frame. This variant is present in population databases (no rsID available, gnomAD 0.009%). This variant has not been reported in the literature in individuals affected with CACNA1H-related conditions. ClinVar contains an entry for this variant (Variation ID: 664211). Experimental studies and prediction algorithms are not available or were not evaluated, and the functional significance of this variant is currently unknown. In summary, the available evidence is currently insufficient to determine the role of this variant in disease. Therefore, it has been classified as a Variant of Uncertain Significance.

Fulgent Genetics
Classification: Uncertain significance for Epilepsy, childhood absence, susceptibility to, 6; Hyperaldosteronism, familial, type IV. Last evaluated: 2021-12-15. Review status: criteria provided, single submitter. Criteria: ACMG Guidelines, 2015. Collection method: clinical testing. Allele origin: unknown.